The following is an entry in ClinVar:

NM_001164508.2(NEB):c.9643A>G (p.Lys3215Glu)

Gene: NEB (nebulin; minus strand). Cytogenetic location: 2q23.3.
Variant type: single nucleotide variant.
Coding change: c.9643A>G on transcript NM_001164508.2 (MANE Select); coding-DNA position 9643, A replaced by G.
Protein change: p.Lys3215Glu; replaces lysine 3215 with glutamic acid.
Molecular consequence: missense variant.
Genome position (GRCh38, 1-based): chr2:151,630,795, T>C on the plus strand (A>G on the coding strand, the complement: NEB is on the minus strand). VCF-style: chr2-151630795-T-C. GRCh37 (hg19) VCF-style: chr2-152487309-T-C.
Other names: c.9643A>G, p.Lys3215Glu (NM_001164507.2, NM_001271208.2); c.8914A>G, p.Lys2972Glu (NM_004543.5); short protein forms K2972E, K3215E.
Identifiers: ClinVar variation 1920235 (VCV001920235.5), dbSNP rs2552238007, ClinGen allele CA348799086.

ClinVar aggregate classification (germline): Uncertain significance (1 of 4 stars; one submission).

Conditions:
Nemaline myopathy 2 (NEM2). Also called: Nemaline myopathy 2, autosomal recessive. Identifiers: MedGen C1850569, MONDO:0009725, OMIM 256030.

Submission:

Labcorp Genetics (formerly Invitae), Labcorp
Classification: Uncertain significance for Nemaline myopathy 2. Last evaluated: 2022-04-21. Review status: criteria provided, single submitter. Criteria: Invitae Variant Classification Sherloc (09022015). Collection method: clinical testing. Allele origin: germline.
Comment: In summary, the available evidence is currently insufficient to determine the role of this variant in disease. Therefore, it has been classified as a Variant of Uncertain Significance. Algorithms developed to predict the effect of missense changes on protein structure and function are either unavailable or do not agree on the potential impact of this missense change (SIFT: "Deleterious"; PolyPhen-2: "Not Available"; Align-GVGD: "Class C0"). This variant has not been reported in the literature in individuals affected with NEB-related conditions. This variant is not present in population databases (gnomAD no frequency). This sequence change replaces lysine, which is basic and polar, with glutamic acid, which is acidic and polar, at codon 3215 of the NEB protein (p.Lys3215Glu).